The following is an entry in ClinVar:

NM_004006.3(DMD):c.1157T>A (p.Met386Lys)

Gene: DMD (dystrophin; minus strand). Cytogenetic location: Xp21.1.
Variant type: single nucleotide variant.
Coding change: c.1157T>A on transcript NM_004006.3 (MANE Select); coding-DNA position 1157, T replaced by A.
Protein change: p.Met386Lys; replaces methionine 386 with lysine.
Molecular consequence: missense variant.
Genome position (GRCh38, 1-based): chrX:32,644,306, A>T on the plus strand (T>A on the coding strand, the complement: DMD is on the minus strand). VCF-style: chrX-32644306-A-T. GRCh37 (hg19) VCF-style: chrX-32662423-A-T.
Other names: c.1133T>A, p.Met378Lys (NM_000109.4); c.1145T>A, p.Met382Lys (NM_004009.3); c.788T>A, p.Met263Lys (NM_004010.3); short protein forms M382K, M263K, M378K, M386K.
Identifiers: ClinVar variation 1372448 (VCV001372448.8), dbSNP rs2146822418, ClinGen allele CA412661454.

ClinVar aggregate classification (germline): Uncertain significance (1 of 4 stars; one submission).

Conditions:
Duchenne muscular dystrophy (DMD). Also called: MUSCULAR DYSTROPHY, PSEUDOHYPERTROPHIC PROGRESSIVE, DUCHENNE TYPE; Duchenne Muscular Dystrophy (DMD). Identifiers: Orphanet 98896, MedGen C0013264, MONDO:0010679, OMIM 310200.

Submission:

Labcorp Genetics (formerly Invitae), Labcorp
Classification: Uncertain significance for Duchenne muscular dystrophy. Last evaluated: 2022-07-25. Review status: criteria provided, single submitter. Criteria: Invitae Variant Classification Sherloc (09022015). Collection method: clinical testing. Allele origin: germline.
Comment: In summary, the available evidence is currently insufficient to determine the role of this variant in disease. Therefore, it has been classified as a Variant of Uncertain Significance. Algorithms developed to predict the effect of missense changes on protein structure and function are either unavailable or do not agree on the potential impact of this missense change (SIFT: "Deleterious"; PolyPhen-2: "Benign"; Align-GVGD: "Class C65"). ClinVar contains an entry for this variant (Variation ID: 1372448). This variant has not been reported in the literature in individuals affected with DMD-related conditions. This variant is not present in population databases (gnomAD no frequency). This sequence change replaces methionine, which is neutral and non-polar, with lysine, which is basic and polar, at codon 386 of the DMD protein (p.Met386Lys).